The following is an entry in ClinVar:

NM_014159.7(SETD2):c.7021C>T (p.Pro2341Ser)

Gene: SETD2 (SET domain containing 2, histone lysine methyltransferase; minus strand). Cytogenetic location: 3p21.31.
Variant type: single nucleotide variant.
Coding change: c.7021C>T on transcript NM_014159.7 (MANE Select); coding-DNA position 7021, C replaced by T.
Protein change: p.Pro2341Ser; replaces proline 2341 with serine.
Molecular consequence: missense variant. On other transcripts: non-coding transcript variant (1).
Genome position (GRCh38, 1-based): chr3:47,046,564, G>A on the plus strand (C>T on the coding strand, the complement: SETD2 is on the minus strand). VCF-style: chr3-47046564-G-A. GRCh37 (hg19) VCF-style: chr3-47088054-G-A.
Other names: c.6889C>T, p.Pro2297Ser (NM_001349370.3); short protein forms P2297S, P2341S.
Identifiers: ClinVar variation 1712821 (VCV001712821.7), dbSNP rs2039539616, ClinGen allele CA352515618.

ClinVar aggregate classification (germline): Conflicting classifications of pathogenicity. Review status: criteria provided, conflicting classifications (1 of 4 stars). 4 submissions from 4 submitters: Uncertain significance (3); Likely benign (1). Last evaluated 2025-08-31.

Conditions:
Luscan-Lumish syndrome. Identifiers: Orphanet 597738, MedGen C4085873, MONDO:0014791, OMIM 616831.
Inborn genetic diseases. Identifiers: MedGen C0950123, MeSH D030342.

Allele frequency attached by ClinVar (database versions not stated): gnomAD exomes below 0.00001; TOPMed below 0.00001; gnomAD 0.00001.
gnomAD v4.1: 3 of 1,613,308 alleles (0.00019%); highest among the groups gnomAD compares: Admixed American, 0.0017%; no homozygotes.

Submissions (4):

Ambry Genetics
Classification: Uncertain significance for Inborn genetic diseases. Last evaluated: 2025-08-31. Review status: criteria provided, single submitter. Criteria: Ambry Variant Classification Scheme 2023. Collection method: clinical testing. Allele origin: germline.

Labcorp Genetics (formerly Invitae), Labcorp
Classification: Likely benign for Luscan-Lumish syndrome. Last evaluated: 2024-11-21. Review status: criteria provided, single submitter. Criteria: Invitae Variant Classification Sherloc (09022015). Collection method: clinical testing. Allele origin: germline.

Women's Health and Genetics/Laboratory Corporation of America, LabCorp
Classification: Uncertain significance. Last evaluated: 2024-03-13. Review status: criteria provided, single submitter. Criteria: LabCorp Variant Classification Summary - May 2015. Collection method: clinical testing. Allele origin: germline.
Comment: Variant summary: SETD2 c.7021C>T (p.Pro2341Ser) results in a non-conservative amino acid change in the encoded protein sequence. Four of five in-silico tools predict a damaging effect of the variant on protein function. The variant was absent in 251260 control chromosomes. The available data on variant occurrences in the general population are insufficient to allow any conclusion about variant significance. To our knowledge, no occurrence of c.7021C>T in individuals affected with Luscan-Lumish Syndrome and no experimental evidence demonstrating its impact on protein function have been reported. ClinVar contains an entry for this variant (Variation ID: 1712821). Based on the evidence outlined above, the variant was classified as uncertain significance.

GeneDx
Classification: Uncertain significance. Last evaluated: 2022-04-26. Review status: criteria provided, single submitter. Criteria: GeneDx Variant Classification Process June 2021. Collection method: clinical testing. Allele origin: germline. Affected: yes.
Comment: Not observed at significant frequency in large population cohorts (gnomAD); In silico analysis supports that this missense variant has a deleterious effect on protein structure/function; Has not been previously published as pathogenic or benign to our knowledge